The following is an entry in ClinVar:

NM_006231.4(POLE):c.1244G>A (p.Ser415Asn)

Gene: POLE (DNA polymerase epsilon, catalytic subunit; minus strand). Cytogenetic location: 12q24.33.
Variant type: single nucleotide variant.
Coding change: c.1244G>A on transcript NM_006231.4 (MANE Select); coding-DNA position 1244, G replaced by A.
Protein change: p.Ser415Asn; replaces serine 415 with asparagine.
Molecular consequence: missense variant.
Genome position (GRCh38, 1-based): chr12:132,673,690, C>T on the plus strand (G>A on the coding strand, the complement: POLE is on the minus strand). VCF-style: chr12-132673690-C-T. GRCh37 (hg19) VCF-style: chr12-133250276-C-T.
Other names: short protein forms S415N.
Identifiers: ClinVar variation 1480471 (VCV001480471.8), dbSNP rs1593073447, ClinGen allele CA387359677.

ClinVar aggregate classification (germline): Uncertain significance (1 of 4 stars; one submission).

Submission:

Labcorp Genetics (formerly Invitae), Labcorp
Classification: Uncertain significance. Last evaluated: 2025-01-23. Review status: criteria provided, single submitter. Criteria: Invitae Variant Classification Sherloc (09022015). Collection method: clinical testing. Allele origin: germline.
Comment: This sequence change replaces serine, which is neutral and polar, with asparagine, which is neutral and polar, at codon 415 of the POLE protein (p.Ser415Asn). This variant is not present in population databases (gnomAD no frequency). This variant has not been reported in the literature in individuals affected with POLE-related conditions. ClinVar contains an entry for this variant (Variation ID: 1480471). Invitae Evidence Modeling of protein sequence and biophysical properties (such as structural, functional, and spatial information, amino acid conservation, physicochemical variation, residue mobility, and thermodynamic stability) indicates that this missense variant is expected to disrupt POLE protein function with a positive predictive value of 80%. In summary, the available evidence is currently insufficient to determine the role of this variant in disease. Therefore, it has been classified as a Variant of Uncertain Significance.